The following is an entry in ClinVar:

NM_001191061.2(SLC25A22):c.267C>G (p.Phe89Leu)

Gene: SLC25A22 (solute carrier family 25 member 22; minus strand). Cytogenetic location: 11p15.5.
Variant type: single nucleotide variant.
Coding change: c.267C>G on transcript NM_001191061.2 (MANE Select); coding-DNA position 267, C replaced by G.
Protein change: p.Phe89Leu; replaces phenylalanine 89 with leucine.
Molecular consequence: missense variant.
Genome position (GRCh38, 1-based): chr11:793,555, G>C on the plus strand (C>G on the coding strand, the complement: SLC25A22 is on the minus strand). VCF-style: chr11-793555-G-C. GRCh37 (hg19) VCF-style: chr11-793555-G-C.
Other names: p.F89L:TTC>TTG; c.267C>G, p.Phe89Leu (NM_001191060.2, NM_024698.6); short protein forms F89L.
Identifiers: ClinVar variation 207157 (VCV000207157.15), dbSNP rs143064022, ClinGen allele CA318351.
Genomic context (GRCh38, chr11:793,555, plus strand): 5'-GACCCCTCGAGTGTCTGCCAGGCAGAACCCTCACCCGTCCTTAGAGAGCTGATGTCGGAA[G>C]AAGTCGTTGGCTGCCAGCTTGATGGCCTTCTCGGGGGTGACGAGGGTCAAGTTCACAGCA-3'
Protein context (NP_001177990.1, residues 79-99): EKAIKLAAND[Phe89Leu]FRHQLSKDGQ

ClinVar aggregate classification (germline): Uncertain significance. Review status: criteria provided, multiple submitters, no conflicts (2 of 4 stars). 4 submissions from 4 submitters: Uncertain significance (4). Last evaluated 2024-01-17.

Conditions:
Inborn genetic diseases. Identifiers: MedGen C0950123, MeSH D030342.
Developmental and epileptic encephalopathy. Identifiers: MedGen C5779964, MONDO:0100620.
Early Myoclonic Encephalopathy. Identifiers: MedGen C0270855.

Allele frequency attached by ClinVar (database versions not stated): gnomAD exomes 0.00006; TOPMed 0.00023; ESP Exome Variant Server 0.00031; 1000 Genomes Project 0.00060; ExAC 0.00012; gnomAD 0.00024; 1000 Genomes Project 30x 0.00062.
gnomAD v4.1: 69 of 1,613,500 alleles (0.0043%); highest among the groups gnomAD compares: African/African-American, 0.076%; no homozygotes.

Submissions (4):

Ambry Genetics
Classification: Uncertain significance for Inborn genetic diseases. Last evaluated: 2024-01-17. Review status: criteria provided, single submitter. Criteria: Ambry Variant Classification Scheme 2023. Collection method: clinical testing. Allele origin: germline.

Labcorp Genetics (formerly Invitae), Labcorp
Classification: Uncertain significance for Early-infantile DEE. Last evaluated: 2022-10-25. Review status: criteria provided, single submitter. Criteria: Invitae Variant Classification Sherloc (09022015). Collection method: clinical testing. Allele origin: germline.
Comment: This sequence change replaces phenylalanine, which is neutral and non-polar, with leucine, which is neutral and non-polar, at codon 89 of the SLC25A22 protein (p.Phe89Leu). This variant is present in population databases (rs143064022, gnomAD 0.09%). This variant has not been reported in the literature in individuals affected with SLC25A22-related conditions. ClinVar contains an entry for this variant (Variation ID: 207157). Advanced modeling of protein sequence and biophysical properties (such as structural, functional, and spatial information, amino acid conservation, physicochemical variation, residue mobility, and thermodynamic stability) performed at Invitae indicates that this missense variant is not expected to disrupt SLC25A22 protein function. In summary, the available evidence is currently insufficient to determine the role of this variant in disease. Therefore, it has been classified as a Variant of Uncertain Significance.

GeneDx
Classification: Uncertain significance. Last evaluated: 2018-07-09. Review status: criteria provided, single submitter. Criteria: GeneDx Variant Classification (06012015). Collection method: clinical testing. Allele origin: germline. Affected: yes.
Comment: A variant of uncertain significance has been identified in the SLC25A22 gene. The F89L variant has not been published as a pathogenic variant, nor has it been reported as a benign variant to our knowledge. This variant is observed in 21/23990 (0.09%) alleles from individuals of African background in large population cohorts (Lek et al., 2016). In-silico analyses, including protein predictors and evolutionary conservation, support a deleterious effect. However, the F89L variant is a conservative amino acid substitution, which is not likely to impact secondary protein structure as these residues share similar properties. Therefore, based on the currently available information, it is unclear whether this variant is a pathogenic variant or a rare benign variant.

Illumina Laboratory Services, Illumina
Classification: Uncertain significance for Developmental and epileptic encephalopathy, 3. Last evaluated: 2018-01-13. Review status: criteria provided, single submitter. Criteria: ICSL Variant Classification Criteria 13 December 2019. Collection method: clinical testing. Allele origin: germline.